The following is an entry in ClinVar:

ClinVar aggregate classification (germline): Uncertain significance (1 of 4 stars; one submission).

Submission:

GeneDx
Classification: Uncertain significance. Last evaluated: 2023-02-15. Review status: criteria provided, single submitter. Criteria: GeneDx Variant Classification Process June 2021. Collection method: clinical testing. Allele origin: germline. Affected: yes.
Comment: Not observed at significant frequency in large population cohorts (gnomAD); In silico analysis supports that this missense variant has a deleterious effect on protein structure/function; Has not been previously published as pathogenic or benign to our knowledge

NM_139276.3(STAT3):c.836A>C (p.Gln279Pro)

Gene: STAT3 (signal transducer and activator of transcription 3; minus strand). Cytogenetic location: 17q21.2.
Variant type: single nucleotide variant.
Coding change: c.836A>C on transcript NM_139276.3 (MANE Select); coding-DNA position 836, A replaced by C.
Protein change: p.Gln279Pro; replaces glutamine 279 with proline.
Molecular consequence: missense variant.
Genome position (GRCh38, 1-based): chr17:42,334,011, T>G on the plus strand (A>C on the coding strand, the complement: STAT3 is on the minus strand). VCF-style: chr17-42334011-T-G. GRCh37 (hg19) VCF-style: chr17-40486029-T-G.
Other names: c.836A>C, p.Gln279Pro (NM_001369518.1, NM_001369519.1, NM_001369520.1 and 15 more transcripts); c.758A>C, p.Gln253Pro (NM_001384985.1); c.740A>C, p.Gln247Pro (NM_001384989.1); short protein forms Q247P, Q253P, Q279P.
Identifiers: ClinVar variation 2576790 (VCV002576790.1), dbSNP rs2509395530, ClinGen allele CA399591412.